The following is an entry in ClinVar:

ClinVar aggregate classification (germline): Benign. Review status: criteria provided, multiple submitters, no conflicts (2 of 4 stars). 2 submissions from 2 submitters: Benign (2). Last evaluated 2026-02-04.

Conditions:
Familial infantile myasthenia (CMS6). Also called: MYASTHENIC SYNDROME, PRESYNAPTIC, CONGENITAL, ASSOCIATED WITH EPISODIC APNEA; Congenital myasthenic syndrome type 6; MYASTHENIC SYNDROME, CONGENITAL, 6, PRESYNAPTIC. Identifiers: Orphanet 590, MedGen C0393929, MONDO:0009689, OMIM 254210.

Allele frequency attached by ClinVar (database versions not stated): gnomAD exomes 0.00340; ExAC 0.01038; 1000 Genomes Project 0.03355; 1000 Genomes Project 30x 0.03685; TOPMed 0.03698; ESP Exome Variant Server 0.03898.

Submissions (2):

Labcorp Genetics (formerly Invitae), Labcorp
Classification: Benign for Familial infantile myasthenia. Last evaluated: 2026-02-04. Review status: criteria provided, single submitter. Criteria: Invitae Variant Classification Sherloc (09022015). Collection method: clinical testing. Allele origin: germline.

Athena Diagnostics
Classification: Benign. Last evaluated: 2025-09-22. Review status: criteria provided, single submitter. Criteria: Athena Diagnostics Criteria. Collection method: clinical testing. Allele origin: unknown.
Comment: The frequency of this variant in the general population is higher than would generally be expected for pathogenic variants in this gene.

NM_020549.5(CHAT):c.1381= (p.Val461=)

Gene: CHAT (choline O-acetyltransferase; plus strand). Cytogenetic location: 10q11.23.
Variant type: single nucleotide variant.
Coding change: c.1381= on transcript NM_020549.5 (MANE Select); coding-DNA position 1381, no change from the reference sequence.
Protein change: p.Val461=; no amino-acid change (valine 461 retained).
Molecular consequence: no sequence alteration.
Genome position: GRCh38 VCF-style: chr10-49648606-G-G. GRCh37 (hg19) VCF-style: chr10-50856652-G-G.
Other names: c.1027=, p.Val343= (NM_001142929.2, NM_001142934.2, NM_020984.4 and 2 more transcripts); c.1135=, p.Val379= (NM_001142933.2); short protein forms M461V.
Identifiers: ClinVar variation 447029 (VCV000447029.13), dbSNP rs4838544.